The following is an entry in ClinVar:

NM_001276345.2(TNNT2):c.600+2T>C

Gene: TNNT2 (troponin T2, cardiac type; minus strand). Cytogenetic location: 1q32.1.
Variant type: single nucleotide variant.
Coding change: c.600+2T>C on transcript NM_001276345.2 (MANE Select); the canonical splice donor site of the intron after coding-DNA position 600, T replaced by C.
Molecular consequence: splice donor variant.
Genome position (GRCh38, 1-based): chr1:201,363,294, A>G on the plus strand (T>C on the coding strand, the complement: TNNT2 is on the minus strand). VCF-style: chr1-201363294-A-G. GRCh37 (hg19) VCF-style: chr1-201332422-A-G.
Other names: c.570+2T>C (NM_001406727.1, NM_001406724.1, NM_001001431.3 and 3 more transcripts); c.555+2T>C (NM_001001432.3, NM_001406728.1); c.567+2T>C (NM_001406725.1); c.480+2T>C (NM_001276346.2); c.600+2T>C (NM_000364.4, NM_001406723.1).
Identifiers: ClinVar variation 3071966 (VCV003071966.1), dbSNP rs112847542, ClinGen allele CA344204231.

ClinVar aggregate classification (germline): Uncertain significance (1 of 4 stars; one submission).

Conditions:
Cardiomyopathy (CMYO). Also called: Cardiomyopathies. Identifiers: Orphanet 167848, MedGen C0878544, MONDO:0004994, HP:0001638. Inheritance: Various modes of inheritance.

Submission:

All of Us Research Program, National Institutes of Health
Classification: Uncertain significance for Cardiomyopathy. Last evaluated: 2023-06-26. Review status: criteria provided, single submitter. Criteria: ACMG Guidelines, 2015. Collection method: clinical testing. Allele origin: germline. Inheritance: Autosomal dominant inheritance. Observed: 1 variant allele, 1 heterozygote.
Comment: This variant causes a T to C nucleotide substitution at the +2 position of intron 11 of the TNNT2 gene. Splice site prediction tools predict that this variant may have a significant impact on RNA splicing. To our knowledge, functional studies have not been reported for this variant. This variant has not been reported in individuals affected with TNNT2-related disorders in the literature. This variant has not been identified in the general population by the Genome Aggregation Database (gnomAD). Clinical relevance of loss-of-function TNNT2 truncation and splice variants in autosomal dominant cardiovascular disorders is not clearly established. The available evidence is insufficient to determine the role of this variant in disease conclusively. Therefore, this variant is classified as a Variant of Uncertain Significance.

This study involves interpretation of variants in research participants for the purpose of population health screening. Participant phenotype was not available at the time of variant classification. Additional details can be found in publication PMID: 35346344, PMCID: PMC8962531